The following is an entry in ClinVar:

ClinVar aggregate classification (germline): Uncertain significance. Review status: criteria provided, multiple submitters, no conflicts (2 of 4 stars). 2 submissions from 2 submitters: Uncertain significance (2). Last evaluated 2023-09-19.

Conditions:
Hereditary nonpolyposis colorectal neoplasms. Identifiers: MedGen C0009405, MeSH D003123.
Hereditary cancer-predisposing syndrome. Also called: Neoplastic Syndromes, Hereditary; Hereditary neoplastic syndrome; Tumor predisposition; Hereditary Cancer Syndrome. Identifiers: Orphanet 140162, MedGen C0027672, MeSH D009386, MONDO:0015356.

Submissions (2):

Color Diagnostics, LLC DBA Color Health
Classification: Uncertain significance for Hereditary cancer-predisposing syndrome. Last evaluated: 2023-09-19. Review status: criteria provided, single submitter. Criteria: ACMG Guidelines, 2015. Collection method: clinical testing. Allele origin: germline.
Comment: This missense variant replaces aspartic acid with glycine at codon 699 of the PMS2 protein. Computational prediction suggests that this variant may have deleterious impact on protein structure and function (internally defined REVEL score threshold >= 0.7, PMID: 27666373). To our knowledge, functional studies have not been reported for this variant. This variant has not been reported in individuals affected with PMS2-related disorders in the literature. This variant has not been identified in the general population by the Genome Aggregation Database (gnomAD). A different variant affecting the same codon, c.2095G>C (p.Asp699His), is considered to be disease-causing (ClinVar variation ID: 140847), suggesting that aspartic acid at this position is important for the protein function. The available evidence is insufficient to determine the role of this variant in disease conclusively. Therefore, this variant is classified as a Variant of Uncertain Significance.

Labcorp Genetics (formerly Invitae), Labcorp
Classification: Uncertain significance for Hereditary nonpolyposis colorectal neoplasms. Last evaluated: 2016-01-17. Review status: criteria provided, single submitter. Criteria: Invitae Variant Classification Sherloc (09022015). Collection method: clinical testing. Allele origin: germline.
Comment: This sequence change replaces aspartic acid with glycine at codon 699 of the PMS2 protein (p.Asp699Gly). The aspartic acid residue is highly conserved and there is a moderate physicochemical difference between aspartic acid and glycine. Algorithms developed to predict the effect of missense changes on protein structure and function (SIFT, PolyPhen-2, Align-GVGD) all suggest that this variant is likely to be disruptive, but these predictions have not been confirmed by published functional studies. This variant is not present in population databases (ExAC no frequency) and has not been reported in the literature in individuals with a PMS2-related disease. However, the frequency data is considered unreliable due to the presence of a pseudogene that has strong homology to this region. In summary, this is a novel missense change with uncertain impact on protein function. It has been classified as a Variant of Uncertain Significance.

NM_000535.7(PMS2):c.2096A>G (p.Asp699Gly)

Gene: PMS2 (PMS1 homolog 2, mismatch repair system component; minus strand). Cytogenetic location: 7p22.1.
Variant type: single nucleotide variant.
Coding change: c.2096A>G on transcript NM_000535.7 (MANE Select); coding-DNA position 2096, A replaced by G.
Protein change: p.Asp699Gly; replaces aspartic acid 699 with glycine.
Molecular consequence: missense variant. On other transcripts: non-coding transcript variant (1).
Genome position (GRCh38, 1-based): chr7:5,982,902, T>C on the plus strand (A>G on the coding strand, the complement: PMS2 is on the minus strand). VCF-style: chr7-5982902-T-C. GRCh37 (hg19) VCF-style: chr7-6022533-T-C.
Other names: c.1691A>G, p.Asp564Gly (NM_001322003.2, NM_001322004.2, NM_001322005.2 and 1 more transcripts); c.1940A>G, p.Asp647Gly (NM_001322006.2); c.1778A>G, p.Asp593Gly (NM_001322007.2, NM_001322008.2); c.1535A>G, p.Asp512Gly (NM_001322010.2); c.1163A>G, p.Asp388Gly (NM_001322011.2, NM_001322012.2); c.1523A>G, p.Asp508Gly (NM_001322013.2); c.2096A>G, p.Asp699Gly (NM_001322014.2); c.1787A>G, p.Asp596Gly (NM_001322015.2); short protein forms D699G, D508G, D564G, D593G, D388G, D512G, D596G, D647G.
Identifiers: ClinVar variation 237900 (VCV000237900.9), dbSNP rs878854043, ClinGen allele CA10582499.
Genomic context (GRCh38, chr7:5,982,902, plus strand): 5'-TGGAGCACGGTGTGCTGCTGCAGCATCTCGAAGTTATACTTCTCGTCCGTGGCATGCTGG[T>C]CCACTATGAAGATATCCTCATTCAGTTTGGTTATTATAAATCCCAGGTTAAACTGACCAA-3'
Protein context (NP_000526.2, residues 689-709): TKLNEDIFIV[Asp699Gly]QHATDEKYNF